The following is an entry in ClinVar:

NM_001351132.2(PEX5):c.1777C>T (p.Arg593Trp)

Gene: PEX5 (peroxisomal biogenesis factor 5; plus strand). Cytogenetic location: 12p13.31.
Variant type: single nucleotide variant.
Coding change: c.1777C>T on transcript NM_001351132.2 (MANE Select); coding-DNA position 1777, C replaced by T.
Protein change: p.Arg593Trp; replaces arginine 593 with tryptophan.
Molecular consequence: missense variant.
Genome position (GRCh38, 1-based): chr12:7,210,080, C>T. VCF-style: chr12-7210080-C-T. GRCh37 (hg19) VCF-style: chr12-7362676-C-T.
Other names: c.1753C>T, p.Arg585Trp (NM_000319.5); c.1822C>T, p.Arg608Trp (NM_001131023.2); c.1666C>T, p.Arg556Trp (NM_001131024.2, NM_001351124.3, NM_001351126.2 and 7 more transcripts); c.1777C>T, p.Arg593Trp (NM_001131025.2, NM_001131026.2, NM_001300789.3 and 4 more transcripts); c.1711C>T, p.Arg571Trp (NM_001351135.3, NM_001351138.2); c.1768C>T, p.Arg590Trp (NM_001351136.2); c.1642C>T, p.Arg548Trp (NM_001351139.2, NM_001351140.2, NM_001374649.2); short protein forms R571W, R590W, R608W, R548W, R556W, R585W, R593W.
Identifiers: ClinVar variation 843623 (VCV000843623.8), dbSNP rs144333076, ClinGen allele CA6426587.

ClinVar aggregate classification (germline): Uncertain significance. Review status: criteria provided, multiple submitters, no conflicts (2 of 4 stars). 3 submissions from 3 submitters: Uncertain significance (3). Last evaluated 2025-01-08.

Conditions:
Peroxisome biogenesis disorder 2B (PBD2B). Identifiers: Orphanet 44, MedGen C3550234, MONDO:0008736, OMIM 202370.
Inborn genetic diseases. Identifiers: MedGen C0950123, MeSH D030342.

Allele frequency attached by ClinVar (database versions not stated): gnomAD exomes 0.00002 and 0.00003; ExAC 0.00004; TOPMed 0.00004; gnomAD 0.00005; ESP Exome Variant Server 0.00008.
gnomAD v4.1: 36 of 1,614,110 alleles (0.0022%); highest among the groups gnomAD compares: African/African-American, 0.008%; no homozygotes.

Submissions (3):

Ambry Genetics
Classification: Uncertain significance for Inborn genetic diseases. Last evaluated: 2025-01-08. Review status: criteria provided, single submitter. Criteria: Ambry Variant Classification Scheme 2023. Collection method: clinical testing. Allele origin: germline.

Labcorp Genetics (formerly Invitae), Labcorp
Classification: Uncertain significance for Peroxisome biogenesis disorder 2B. Last evaluated: 2025-01-06. Review status: criteria provided, single submitter. Criteria: Invitae Variant Classification Sherloc (09022015). Collection method: clinical testing. Allele origin: germline.
Comment: This sequence change replaces arginine, which is basic and polar, with tryptophan, which is neutral and slightly polar, at codon 593 of the PEX5 protein (p.Arg593Trp). This variant is present in population databases (rs144333076, gnomAD 0.02%). This variant has not been reported in the literature in individuals affected with PEX5-related conditions. ClinVar contains an entry for this variant (Variation ID: 843623). Invitae Evidence Modeling of protein sequence and biophysical properties (such as structural, functional, and spatial information, amino acid conservation, physicochemical variation, residue mobility, and thermodynamic stability) indicates that this missense variant is not expected to disrupt PEX5 protein function with a negative predictive value of 80%. In summary, the available evidence is currently insufficient to determine the role of this variant in disease. Therefore, it has been classified as a Variant of Uncertain Significance.

Blueprint Genetics
Classification: Uncertain significance. Last evaluated: 2023-06-06. Review status: criteria provided, single submitter. Criteria: ACMG Guidelines, 2015. Collection method: clinical testing. Allele origin: germline.